The following is an entry in ClinVar:

NM_001378457.1(DMXL2):c.6367T>G (p.Ser2123Ala)

Gene: DMXL2 (Dmx like 2; minus strand). Cytogenetic location: 15q21.2.
Variant type: single nucleotide variant.
Coding change: c.6367T>G on transcript NM_001378457.1 (MANE Select); coding-DNA position 6367, T replaced by G.
Protein change: p.Ser2123Ala; replaces serine 2123 with alanine.
Molecular consequence: missense variant. On other transcripts: non-coding transcript variant (2).
Genome position (GRCh38, 1-based): chr15:51,480,739, A>C on the plus strand (T>G on the coding strand, the complement: DMXL2 is on the minus strand). VCF-style: chr15-51480739-A-C. GRCh37 (hg19) VCF-style: chr15-51772936-A-C.
Other names: c.6367T>G, p.Ser2123Ala (NM_001174116.3, NM_001378458.1, NM_001378459.1 and 4 more transcripts); c.4459T>G, p.Ser1487Ala (NM_001174117.3); c.4348T>G, p.Ser1450Ala (NM_001378460.1); c.6127T>G, p.Ser2043Ala (NM_001378464.1); c.6367T>G (NM_001174116.1); short protein forms S1487A, S1450A, S2123A, S2043A.
Identifiers: ClinVar variation 1442446 (VCV001442446.4), dbSNP rs150924530, ClinGen allele CA7561650.

ClinVar aggregate classification (germline): Uncertain significance. Review status: criteria provided, multiple submitters, no conflicts (2 of 4 stars). 2 submissions from 2 submitters: Uncertain significance (2). Last evaluated 2025-08-14.

Conditions:
Inborn genetic diseases. Identifiers: MedGen C0950123, MeSH D030342.

Allele frequency attached by ClinVar (database versions not stated): gnomAD 0.00004; TOPMed 0.00005; ESP Exome Variant Server 0.00031.
gnomAD v4.1: 142 of 1,601,258 alleles (0.0089%); highest among the groups gnomAD compares: Non-Finnish European, 0.012%; no homozygotes.

Submissions (2):

Ambry Genetics
Classification: Uncertain significance for Inborn genetic diseases. Last evaluated: 2025-08-14. Review status: criteria provided, single submitter. Criteria: Ambry Variant Classification Scheme 2023. Collection method: clinical testing. Allele origin: germline.

Labcorp Genetics (formerly Invitae), Labcorp
Classification: Uncertain significance. Last evaluated: 2022-08-21. Review status: criteria provided, single submitter. Criteria: Invitae Variant Classification Sherloc (09022015). Collection method: clinical testing. Allele origin: germline.
Comment: This sequence change replaces serine, which is neutral and polar, with alanine, which is neutral and non-polar, at codon 2123 of the DMXL2 protein (p.Ser2123Ala). This variant is present in population databases (rs150924530, gnomAD 0.02%). This variant has not been reported in the literature in individuals affected with DMXL2-related conditions. ClinVar contains an entry for this variant (Variation ID: 1442446). Algorithms developed to predict the effect of missense changes on protein structure and function (SIFT, PolyPhen-2, Align-GVGD) all suggest that this variant is likely to be tolerated. In summary, the available evidence is currently insufficient to determine the role of this variant in disease. Therefore, it has been classified as a Variant of Uncertain Significance.